The following is an entry in ClinVar:

NM_022124.6(CDH23):c.6556T>A (p.Ser2186Thr)

Gene: CDH23 (cadherin related 23; plus strand). Cytogenetic location: 10q22.1.
Variant type: single nucleotide variant.
Coding change: c.6556T>A on transcript NM_022124.6 (MANE Select); coding-DNA position 6556, T replaced by A.
Protein change: p.Ser2186Thr; replaces serine 2186 with threonine.
Molecular consequence: missense variant.
Genome position (GRCh38, 1-based): chr10:71,793,484, T>A. VCF-style: chr10-71793484-T-A. GRCh37 (hg19) VCF-style: chr10-73553241-T-A.
Other names: short protein forms S2186T.
Identifiers: ClinVar variation 1026132 (VCV001026132.5), dbSNP rs374194433, ClinGen allele CA5546117.
Genomic context (GRCh38, chr10:71,793,484, plus strand): 5'-GACATCAATGACTCCCGCCCCGAGTTCCTCAACCCCATCCAGACAGTGAGCGTGCTGGAG[T>A]CGGCTGAGCCAGGCACTGTCATTGCCAATATCACGGCCATTGACCACGACCTCAACCCAA-3'
Protein context (NP_071407.4, residues 2176-2196): NPIQTVSVLE[Ser2186Thr]AEPGTVIANI

ClinVar aggregate classification (germline): Uncertain significance. Review status: criteria provided, single submitter (1 of 4 stars). 2 submissions from 2 submitters: Uncertain significance (1). 1 of the submissions does not count toward it. Last evaluated 2022-08-15.

Conditions:
Usher syndrome type 1 (USH1). Also called: RETINITIS PIGMENTOSA AND CONGENITAL DEAFNESS. Identifiers: Orphanet 231169, Orphanet 886, MedGen C1568247, MONDO:0010168, OMIM 276900.

Allele frequency attached by ClinVar (database versions not stated): TOPMed 0.00006; gnomAD exomes 0.00002 and 0.00001; ExAC 0.00002; ESP Exome Variant Server 0.00008; gnomAD 0.00003.
gnomAD v4.1: 11 of 1,613,686 alleles (0.00068%); highest among the groups gnomAD compares: African/African-American, 0.0093%; no homozygotes.

Submissions (2):

Labcorp Genetics (formerly Invitae), Labcorp
Classification: Uncertain significance. Last evaluated: 2022-08-15. Review status: criteria provided, single submitter. Criteria: Invitae Variant Classification Sherloc (09022015). Collection method: clinical testing. Allele origin: germline.
Comment: This sequence change replaces serine, which is neutral and polar, with threonine, which is neutral and polar, at codon 2186 of the CDH23 protein (p.Ser2186Thr). This variant is present in population databases (rs374194433, gnomAD 0.02%). This variant has not been reported in the literature in individuals affected with CDH23-related conditions. ClinVar contains an entry for this variant (Variation ID: 1026132). Algorithms developed to predict the effect of missense changes on protein structure and function are either unavailable or do not agree on the potential impact of this missense change (SIFT: "Deleterious"; PolyPhen-2: "Not Available"; Align-GVGD: "Class C55"). In summary, the available evidence is currently insufficient to determine the role of this variant in disease. Therefore, it has been classified as a Variant of Uncertain Significance.

Natera, Inc.
Classification: Uncertain significance for Usher syndrome type 1. Last evaluated: 2020-04-20. Review status: no assertion criteria provided. Collection method: clinical testing. Allele origin: germline. Not counted in ClinVar's aggregate classification.